The following is an entry in ClinVar:

NM_013314.4(BLNK):c.178G>A (p.Glu60Lys)

Gene: BLNK (B cell linker; minus strand). Cytogenetic location: 10q24.1.
Variant type: single nucleotide variant.
Coding change: c.178G>A on transcript NM_013314.4 (MANE Select); coding-DNA position 178, G replaced by A.
Protein change: p.Glu60Lys; replaces glutamic acid 60 with lysine.
Molecular consequence: missense variant. On other transcripts: non-coding transcript variant (4).
Genome position (GRCh38, 1-based): chr10:96,230,820, C>T on the plus strand (G>A on the coding strand, the complement: BLNK is on the minus strand). VCF-style: chr10-96230820-C-T. GRCh37 (hg19) VCF-style: chr10-97990576-C-T.
Other names: c.178G>A, p.Glu60Lys (NM_001114094.2, NM_001258440.2, NM_001258441.2 and 1 more transcripts); short protein forms E60K.
Identifiers: ClinVar variation 573503 (VCV000573503.11), dbSNP rs148249957, ClinGen allele CA5623562.

ClinVar aggregate classification (germline): Uncertain significance. Review status: criteria provided, multiple submitters, no conflicts (2 of 4 stars). 5 submissions from 5 submitters: Uncertain significance (5). Last evaluated 2026-04-09.

Conditions:
Agammaglobulinemia 4, autosomal recessive (AGM4). Also called: B cell linker protein deficiency; AGAMMAGLOBULINEMIA, AUTOSOMAL RECESSIVE, DUE TO BLNK DEFECT. Identifiers: MedGen C3150752, MONDO:0013289, OMIM 613502.

Allele frequency attached by ClinVar (database versions not stated): gnomAD exomes 0.00026 and 0.00040; ExAC 0.00040; ESP Exome Variant Server 0.00054; gnomAD 0.00054 and 0.00056; 1000 Genomes Project 0.00060; TOPMed 0.00068; 1000 Genomes Project 30x 0.00109.
gnomAD v4.1: 671 of 1,611,522 alleles (0.042%); highest among the groups gnomAD compares: Admixed American, 0.064%; no homozygotes.

Submissions (5):

Women's Health and Genetics/Laboratory Corporation of America, LabCorp
Classification: Uncertain significance. Last evaluated: 2026-04-09. Review status: criteria provided, single submitter. Criteria: LabCorp Variant Classification Summary - May 2015. Collection method: clinical testing. Allele origin: germline.
Comment: Variant summary: BLNK c.178G>A (p.Glu60Lys) results in a conservative amino acid change in the encoded protein sequence. Algorithms developed to predict the effect of missense changes on protein structure and function are either unavailable or do not agree on the potential impact of this missense change. The variant allele was found at a frequency of 0.00026 in 245894 control chromosomes. This frequency is not significantly higher than estimated for disease-causing variants in BLNK, allowing no conclusion about variant significance. To our knowledge, no occurrence of c.178G>A in individuals affected with BLNK-related conditions and no experimental evidence demonstrating its impact on protein function have been reported. ClinVar contains an entry for this variant (Variation ID: 573503). Based on the evidence outlined above, the variant was classified as uncertain significance.

GeneDx
Classification: Uncertain significance. Last evaluated: 2025-02-22. Review status: criteria provided, single submitter. Criteria: GeneDx Variant Classification Process June 2021. Collection method: clinical testing. Allele origin: germline. Affected: yes.
Comment: In silico analysis supports that this missense variant has a deleterious effect on protein structure/function; Has not been previously published as pathogenic or benign to our knowledge

Blueprint Genetics
Classification: Uncertain significance. Last evaluated: 2024-11-26. Review status: criteria provided, single submitter. Criteria: ACMG Guidelines, 2015. Collection method: clinical testing. Allele origin: germline.

Labcorp Genetics (formerly Invitae), Labcorp
Classification: Uncertain significance for Agammaglobulinemia 4, autosomal recessive. Last evaluated: 2022-10-18. Review status: criteria provided, single submitter. Criteria: Invitae Variant Classification Sherloc (09022015). Collection method: clinical testing. Allele origin: germline.
Comment: This sequence change replaces glutamic acid, which is acidic and polar, with lysine, which is basic and polar, at codon 60 of the BLNK protein (p.Glu60Lys). This variant is present in population databases (rs148249957, gnomAD 0.07%). This variant has not been reported in the literature in individuals affected with BLNK-related conditions. ClinVar contains an entry for this variant (Variation ID: 573503). Advanced modeling of protein sequence and biophysical properties (such as structural, functional, and spatial information, amino acid conservation, physicochemical variation, residue mobility, and thermodynamic stability) performed at Invitae indicates that this missense variant is not expected to disrupt BLNK protein function. In summary, the available evidence is currently insufficient to determine the role of this variant in disease. Therefore, it has been classified as a Variant of Uncertain Significance.

Baylor Genetics
Classification: Uncertain significance for Agammaglobulinemia 4, autosomal recessive. Last evaluated: 2020-01-24. Review status: criteria provided, single submitter. Criteria: ACMG Guidelines, 2015. Collection method: clinical testing. Allele origin: unknown. Affected: yes.
Comment: This variant was determined to be of uncertain significance according to ACMG Guidelines, 2015 [PMID:25741868].